The following is an entry in ClinVar:

ClinVar aggregate classification (germline): Conflicting classifications of pathogenicity. Review status: criteria provided, conflicting classifications (1 of 4 stars). 2 submissions from 2 submitters: Uncertain significance (1); Likely benign (1). Last evaluated 2026-06-16.

Conditions:
Hereditary cancer-predisposing syndrome. Also called: Tumor predisposition; Hereditary neoplastic syndrome; Neoplastic Syndromes, Hereditary; Hereditary Cancer Syndrome. Identifiers: Orphanet 140162, MedGen C0027672, MeSH D009386, MONDO:0015356.
Hereditary diffuse gastric adenocarcinoma (HDGC). Also called: DIFFUSE GASTRIC AND LOBULAR BREAST CANCER SYNDROME. Identifiers: Orphanet 26106, MedGen C1708349, MONDO:0007648, OMIM 137215.

Allele frequency attached by ClinVar (database versions not stated): gnomAD exomes below 0.00001.
gnomAD v4.1: 1 of 1,614,106 alleles (0.000062%); highest among the groups gnomAD compares: South Asian, 0.0011%; no homozygotes.

Submissions (2):

Ambry Genetics
Classification: Likely benign for Hereditary cancer-predisposing syndrome. Last evaluated: 2026-06-16. Review status: criteria provided, single submitter. Criteria: Ambry Variant Classification Scheme 2023. Collection method: clinical testing. Allele origin: germline.

Labcorp Genetics (formerly Invitae), Labcorp
Classification: Uncertain significance for Hereditary diffuse gastric adenocarcinoma. Last evaluated: 2024-10-29. Review status: criteria provided, single submitter. Criteria: Invitae Variant Classification Sherloc (09022015). Collection method: clinical testing. Allele origin: germline.
Comment: This sequence change replaces aspartic acid, which is acidic and polar, with asparagine, which is neutral and polar, at codon 292 of the CDH1 protein (p.Asp292Asn). This variant is not present in population databases (gnomAD no frequency). This variant has not been reported in the literature in individuals affected with CDH1-related conditions. ClinVar contains an entry for this variant (Variation ID: 822704). An algorithm developed to predict the effect of missense changes on protein structure and function (PolyPhen-2) suggests that this variant is likely to be tolerated. In summary, the available evidence is currently insufficient to determine the role of this variant in disease. Therefore, it has been classified as a Variant of Uncertain Significance.

NM_004360.5(CDH1):c.874G>A (p.Asp292Asn)

Gene: CDH1 (cadherin 1; plus strand). Cytogenetic location: 16q22.1.
Variant type: single nucleotide variant.
Coding change: c.874G>A on transcript NM_004360.5 (MANE Select); coding-DNA position 874, G replaced by A.
Protein change: p.Asp292Asn; replaces aspartic acid 292 with asparagine.
Molecular consequence: missense variant. On other transcripts: 5 prime UTR variant (2).
Genome position (GRCh38, 1-based): chr16:68,811,725, G>A. VCF-style: chr16-68811725-G-A. GRCh37 (hg19) VCF-style: chr16-68845628-G-A.
Other names: c.874G>A, p.Asp292Asn (NM_001317184.2); c.-742G>A (NM_001317185.2); c.-946G>A (NM_001317186.2); short protein forms D292N.
Identifiers: ClinVar variation 822704 (VCV000822704.13), dbSNP rs1597894017, ClinGen allele CA396459621.